The following is an entry in ClinVar:

NM_001261826.3(AP3D1):c.637C>T (p.Arg213Cys)

Gene: AP3D1 (adaptor related protein complex 3 subunit delta 1; minus strand). Cytogenetic location: 19p13.3.
Variant type: single nucleotide variant.
Coding change: c.637C>T on transcript NM_001261826.3 (MANE Select); coding-DNA position 637, C replaced by T.
Protein change: p.Arg213Cys; replaces arginine 213 with cysteine.
Molecular consequence: missense variant.
Genome position (GRCh38, 1-based): chr19:2,129,413, G>A on the plus strand (C>T on the coding strand, the complement: AP3D1 is on the minus strand). VCF-style: chr19-2129413-G-A. GRCh37 (hg19) VCF-style: chr19-2129412-G-A.
Other names: c.637C>T, p.Arg213Cys (NM_001374799.1, NM_003938.8); short protein forms R213C.
Identifiers: ClinVar variation 1717558 (VCV001717558.7), dbSNP rs1461443818, ClinGen allele CA403227562.

ClinVar aggregate classification (germline): Uncertain significance. Review status: criteria provided, multiple submitters, no conflicts (2 of 4 stars). 2 submissions from 2 submitters: Uncertain significance (2). Last evaluated 2023-11-09.

Allele frequency attached by ClinVar (database versions not stated): gnomAD 0.00001; gnomAD exomes 0.00001; TOPMed 0.00002.
gnomAD v4.1: 22 of 1,613,994 alleles (0.0014%); highest among the groups gnomAD compares: Non-Finnish European, 0.0017%; no homozygotes.

Submissions (2):

Blueprint Genetics
Classification: Uncertain significance. Last evaluated: 2023-11-09. Review status: criteria provided, single submitter. Criteria: ACMG Guidelines, 2015. Collection method: clinical testing. Allele origin: germline.

Labcorp Genetics (formerly Invitae), Labcorp
Classification: Uncertain significance. Last evaluated: 2022-10-28. Review status: criteria provided, single submitter. Criteria: Invitae Variant Classification Sherloc (09022015). Collection method: clinical testing. Allele origin: germline.
Comment: This sequence change replaces arginine, which is basic and polar, with cysteine, which is neutral and slightly polar, at codon 213 of the AP3D1 protein (p.Arg213Cys). This variant is not present in population databases (gnomAD no frequency). This variant has not been reported in the literature in individuals affected with AP3D1-related conditions. Algorithms developed to predict the effect of missense changes on protein structure and function (SIFT, PolyPhen-2, Align-GVGD) all suggest that this variant is likely to be disruptive. In summary, the available evidence is currently insufficient to determine the role of this variant in disease. Therefore, it has been classified as a Variant of Uncertain Significance.